The following is an entry in ClinVar:

NM_006231.4(POLE):c.6605C>T (p.Thr2202Met)

Gene: POLE (DNA polymerase epsilon, catalytic subunit; minus strand). Cytogenetic location: 12q24.33.
Variant type: single nucleotide variant.
Coding change: c.6605C>T on transcript NM_006231.4 (MANE Select); coding-DNA position 6605, C replaced by T.
Protein change: p.Thr2202Met; replaces threonine 2202 with methionine.
Molecular consequence: missense variant.
Genome position (GRCh38, 1-based): chr12:132,625,697, G>A on the plus strand (C>T on the coding strand, the complement: POLE is on the minus strand). VCF-style: chr12-132625697-G-A. GRCh37 (hg19) VCF-style: chr12-133202283-G-A.
Other names: short protein forms T2202M.
Identifiers: ClinVar variation 240606 (VCV000240606.23), dbSNP rs764457707, ClinGen allele CA6892121.

ClinVar aggregate classification (germline): Conflicting classifications of pathogenicity. Review status: criteria provided, conflicting classifications (1 of 4 stars). 7 submissions from 7 submitters: Uncertain significance (6); Likely benign (1). Last evaluated 2025-12-29.

Conditions:
Facial dysmorphism-immunodeficiency-livedo-short stature syndrome. Also called: FILS syndrome; Facial dysmorphism, immunodeficiency, livedo, and short stature. Identifiers: Orphanet 352712, MedGen C3554576, MONDO:0014058, OMIM 615139.
Colorectal cancer, susceptibility to, 12 (CRCS12). Also called: COLORECTAL CANCER, SUSCEPTIBILITY TO, ON CHROMOSOME 12q24. Identifiers: Orphanet 220460, MedGen C3554460, MONDO:0014038, OMIM 615083.
Intrauterine growth retardation, metaphyseal dysplasia, adrenal hypoplasia congenita, genital anomalies, and immunodeficiency. Also called: IMAGEI SYNDROME. Identifiers: MedGen C5193036, MONDO:0032684, OMIM 618336.
Hereditary cancer-predisposing syndrome. Also called: Tumor predisposition; Neoplastic Syndromes, Hereditary; Hereditary Cancer Syndrome; Hereditary neoplastic syndrome. Identifiers: Orphanet 140162, MedGen C0027672, MeSH D009386, MONDO:0015356.

Allele frequency attached by ClinVar (database versions not stated): gnomAD 0.00003 and 0.00002; ExAC 0.00002; TOPMed 0.00004; gnomAD exomes 0.00004.
gnomAD v4.1: 119 of 1,613,594 alleles (0.0074%); highest among the groups gnomAD compares: Non-Finnish European, 0.009%; no homozygotes.

Submissions (7):

Center for Genomic Medicine, Rigshospitalet, Copenhagen University Hospital
Classification: Uncertain significance. Last evaluated: 2025-12-29. Review status: criteria provided, single submitter. Criteria: ACMG Guidelines, 2015. Collection method: clinical testing. Allele origin: germline.

Labcorp Genetics (formerly Invitae), Labcorp
Classification: Uncertain significance. Last evaluated: 2025-12-21. Review status: criteria provided, single submitter. Criteria: Invitae Variant Classification Sherloc (09022015). Collection method: clinical testing. Allele origin: germline.
Comment: This sequence change replaces threonine, which is neutral and polar, with methionine, which is neutral and non-polar, at codon 2202 of the POLE protein (p.Thr2202Met). This variant is present in population databases (rs764457707, gnomAD 0.006%). This variant has not been reported in the literature in individuals affected with POLE-related conditions. ClinVar contains an entry for this variant (Variation ID: 240606). Invitae Evidence Modeling of protein sequence and biophysical properties (such as structural, functional, and spatial information, amino acid conservation, physicochemical variation, residue mobility, and thermodynamic stability) indicates that this missense variant is not expected to disrupt POLE protein function with a negative predictive value of 80%. In summary, the available evidence is currently insufficient to determine the role of this variant in disease. Therefore, it has been classified as a Variant of Uncertain Significance.

GeneDx
Classification: Uncertain significance. Last evaluated: 2025-07-28. Review status: criteria provided, single submitter. Criteria: GeneDx Variant Classification Process June 2021. Collection method: clinical testing. Allele origin: germline.
Comment: In silico analysis suggests that this missense variant does not alter protein structure/function; Has not been previously published as pathogenic or benign to our knowledge; This variant is associated with the following publications: (PMID: 29056344, 27244218)

Ambry Genetics
Classification: Likely benign for Hereditary cancer-predisposing syndrome. Last evaluated: 2025-01-07. Review status: criteria provided, single submitter. Criteria: Ambry Variant Classification Scheme 2023. Collection method: clinical testing. Allele origin: germline.

Fulgent Genetics
Classification: Uncertain significance for Colorectal cancer, susceptibility to, 12; Facial dysmorphism-immunodeficiency-livedo-short stature syndrome; Intrauterine growth retardation, metaphyseal dysplasia, adrenal hypoplasia congenita, genital anomalies, and immunodeficiency. Last evaluated: 2024-01-24. Review status: criteria provided, single submitter. Criteria: ACMG Guidelines, 2015. Collection method: clinical testing. Allele origin: germline.

MGZ Medical Genetics Center
Classification: Uncertain significance for Colorectal cancer, susceptibility to, 12. Last evaluated: 2022-08-23. Review status: criteria provided, single submitter. Criteria: ACMG Guidelines, 2015. Collection method: clinical testing. Allele origin: germline. Affected: yes. Observed: 1 variant allele.
Comment: ACMG criteria applied: PM2_SUP, BP4

Women's Health and Genetics/Laboratory Corporation of America, LabCorp
Classification: Uncertain significance. Last evaluated: 2022-05-12. Review status: criteria provided, single submitter. Criteria: LabCorp Variant Classification Summary - May 2015. Collection method: clinical testing. Allele origin: germline.
Comment: Variant summary: POLE c.6605C>T (p.Thr2202Met) results in a non-conservative amino acid change in the encoded protein sequence. Three of five in-silico tools predict a benign effect of the variant on protein function. The variant allele was found at a frequency of 3.6e-05 in 251030 control chromosomes. The available data on variant occurrences in the general population are insufficient to allow any conclusion about variant significance. To our knowledge, c.6605C>T has not been reported in the literature in individuals affected with POLE-related cancer as a germline mutation. To our knowledge, no experimental evidence demonstrating an impact on protein function has been reported. One clinical diagnostic laboratory has submitted clinical-significance assessments for this variant to ClinVar after 2014 and classified the variant as uncertain significance. Based on the evidence outlined above, the variant was classified as uncertain significance.

Literature cited by the submitters: PubMed 27244218 (cited by Women's Health and Genetics/Laboratory Corporation of America, LabCorp); PubMed 30362666 (cited by Women's Health and Genetics/Laboratory Corporation of America, LabCorp).